The following is an entry in ClinVar:

NM_001080.3(ALDH5A1):c.79del (p.Arg27fs)

Genes: ALDH5A1 (aldehyde dehydrogenase 5 family member A1; plus strand), GPLD1 (glycosylphosphatidylinositol specific phospholipase D1; minus strand), LOC129995978 (ATAC-STARR-seq lymphoblastoid silent region 16989; plus strand). Cytogenetic location: 6p22.3.
Variant type: Deletion.
Coding change: c.79del on transcript NM_001080.3 (MANE Select); coding-DNA position 79, one base deleted (C; older notation c.79delC).
Protein change: p.Arg27fs; shifts the reading frame from arginine 27.
Molecular consequence: frameshift variant.
Genome position (GRCh38, 1-based): chr6:24,495,075, C deleted; the last of 5 consecutive C bases (chr6:24,495,071-24,495,075); deleting any one gives the same sequence. VCF-style (leftmost placement, unchanged base first): chr6-24495070-GC-G. GRCh37 (hg19) VCF-style: chr6-24495298-GC-G.
Other names: c.79del, p.Arg27fs (NM_001368954.1, NM_170740.1); short protein forms R27fs.
Identifiers: ClinVar variation 2038984 (VCV002038984.4), dbSNP rs1247811674, ClinGen allele CA566286691.
Genomic context (GRCh38, chr6:24,495,070, plus strand): 5'-TTTGGCTGCGGAGCTGTGGGGCCCGGCGCCTCGGGTCGACGTTTCCAGGCTGCCGCCTCC[GC>G]CCCCGCGCCGGCGGCCTGGTCCCTGCCTCCGGGCCTGCGCCCGGCCCGGCCCAGCTCCGC-3'

ClinVar aggregate classification (germline): Pathogenic (1 of 4 stars; one submission).

Conditions:
Succinate-semialdehyde dehydrogenase deficiency (SSADHD). Also called: SSADH DEFICIENCY; 4-HYDROXYBUTYRIC ACIDURIA; GABA METABOLIC DEFECT; Succinic Semialdehyde Dehydrogenase Deficiency. Identifiers: Orphanet 22, MedGen C0268631, MONDO:0010083, OMIM 271980.

Submission:

Labcorp Genetics (formerly Invitae), Labcorp
Classification: Pathogenic for Succinate-semialdehyde dehydrogenase deficiency. Last evaluated: 2022-03-22. Review status: criteria provided, single submitter. Criteria: Invitae Variant Classification Sherloc (09022015). Collection method: clinical testing. Allele origin: germline.
Comment: This variant has not been reported in the literature in individuals affected with ALDH5A1-related conditions. For these reasons, this variant has been classified as Pathogenic. The frequency data for this variant in the population databases is considered unreliable, as metrics indicate poor data quality at this position in the gnomAD database. This sequence change creates a premature translational stop signal (p.Arg27Alafs*64) in the ALDH5A1 gene. It is expected to result in an absent or disrupted protein product. Loss-of-function variants in ALDH5A1 are known to be pathogenic (PMID: 14635103).

Literature cited by the submitters: PubMed 14635103.